The following is an entry in ClinVar:

NM_001363711.2(DUOX2):c.1793T>C (p.Phe598Ser)

Gene: DUOX2 (dual oxidase 2; minus strand). Cytogenetic location: 15q21.1.
Variant type: single nucleotide variant.
Coding change: c.1793T>C on transcript NM_001363711.2 (MANE Select); coding-DNA position 1793, T replaced by C.
Protein change: p.Phe598Ser; replaces phenylalanine 598 with serine.
Molecular consequence: missense variant.
Genome position (GRCh38, 1-based): chr15:45,106,870, A>G on the plus strand (T>C on the coding strand, the complement: DUOX2 is on the minus strand). VCF-style: chr15-45106870-A-G. GRCh37 (hg19) VCF-style: chr15-45399068-A-G.
Other names: c.1793T>C, p.Phe598Ser (NM_014080.5); short protein forms F598S.
Identifiers: ClinVar variation 1470055 (VCV001470055.6), dbSNP rs753161566, ClinGen allele CA7538500.

ClinVar aggregate classification (germline): Uncertain significance (1 of 4 stars; one submission).

Allele frequency attached by ClinVar (database versions not stated): gnomAD exomes below 0.00001; TOPMed 0.00001; ExAC 0.00002.
gnomAD v4.1: 1 of 1,590,270 alleles (0.000063%); highest among the groups gnomAD compares: African/African-American, 0.0013%; no homozygotes.

Submission:

Labcorp Genetics (formerly Invitae), Labcorp
Classification: Uncertain significance. Last evaluated: 2025-12-03. Review status: criteria provided, single submitter. Criteria: Invitae Variant Classification Sherloc (09022015). Collection method: clinical testing. Allele origin: germline.
Comment: This sequence change replaces phenylalanine, which is neutral and non-polar, with serine, which is neutral and polar, at codon 598 of the DUOX2 protein (p.Phe598Ser). This variant is present in population databases (rs753161566, gnomAD 0.008%). This variant has not been reported in the literature in individuals affected with DUOX2-related conditions. ClinVar contains an entry for this variant (Variation ID: 1470055). Invitae Evidence Modeling of protein sequence and biophysical properties (such as structural, functional, and spatial information, amino acid conservation, physicochemical variation, residue mobility, and thermodynamic stability) indicates that this missense variant is expected to disrupt DUOX2 protein function with a positive predictive value of 80%. In summary, the available evidence is currently insufficient to determine the role of this variant in disease. Therefore, it has been classified as a Variant of Uncertain Significance.